The following is an entry in ClinVar:

ClinVar aggregate classification (germline): Conflicting classifications of pathogenicity. Review status: criteria provided, conflicting classifications (1 of 4 stars). 2 submissions from 2 submitters: Uncertain significance (1); Likely benign (1). Last evaluated 2025-10-27.

gnomAD v4.1: 42 of 1,613,422 alleles (0.0026%); highest among the groups gnomAD compares: South Asian, 0.043%; no homozygotes.

Submissions (2):

Labcorp Genetics (formerly Invitae), Labcorp
Classification: Uncertain significance. Last evaluated: 2025-10-27. Review status: criteria provided, single submitter. Criteria: Invitae Variant Classification Sherloc (09022015). Collection method: clinical testing. Allele origin: germline.
Comment: This sequence change replaces isoleucine, which is neutral and non-polar, with valine, which is neutral and non-polar, at codon 1672 of the HMCN1 protein (p.Ile1672Val). This variant is present in population databases (rs758501344, gnomAD 0.03%). This variant has not been reported in the literature in individuals affected with HMCN1-related conditions. ClinVar contains an entry for this variant (Variation ID: 3627579). An algorithm developed to predict the effect of missense changes on protein structure and function outputs the following: PolyPhen-2: "Benign". The valine amino acid residue is found in multiple mammalian species, which suggests that this missense change does not adversely affect protein function. In summary, the available evidence is currently insufficient to determine the role of this variant in disease. Therefore, it has been classified as a Variant of Uncertain Significance.

Ambry Genetics
Classification: Likely benign. Last evaluated: 2025-05-25. Review status: criteria provided, single submitter. Criteria: Ambry Variant Classification Scheme 2023. Collection method: clinical testing. Allele origin: germline.

NM_031935.3(HMCN1):c.5014A>G (p.Ile1672Val)

Gene: HMCN1 (hemicentin 1; plus strand). Cytogenetic location: 1q31.1.
Variant type: single nucleotide variant.
Coding change: c.5014A>G on transcript NM_031935.3 (MANE Select); coding-DNA position 5014, A replaced by G.
Protein change: p.Ile1672Val; replaces isoleucine 1672 with valine.
Molecular consequence: missense variant.
Genome position (GRCh38, 1-based): chr1:186,016,062, A>G. VCF-style: chr1-186016062-A-G. GRCh37 (hg19) VCF-style: chr1-185985194-A-G.
Other names: c.5014A>G (NM_031935.2); short protein forms I1672V.
Identifiers: ClinVar variation 3627579 (VCV003627579.3).
Genomic context (GRCh38, chr1:186,016,062, plus strand): 5'-CAAGTAGTTATTGCTCATTCTCTGACACTGGAGTGCAAAGCTGCTGGAAACCCTTCTCCC[A>G]TTCTCACCTGGTTGAAAGATGGTGTACCTGTGAAAGCTAATGACAATATCCGCATAGAAG-3'
Protein context (NP_114141.2, residues 1662-1682): ECKAAGNPSP[Ile1672Val]LTWLKDGVPV